The following is an entry in ClinVar:

ClinVar aggregate classification (germline): Uncertain significance. Review status: criteria provided, multiple submitters, no conflicts (2 of 4 stars). 4 submissions from 4 submitters: Uncertain significance (3). 1 of the submissions does not count toward it. Last evaluated 2023-04-11.

Conditions:
Cardiovascular phenotype. Identifiers: MedGen CN230736.
Familial hypercholesterolemia. Also called: Familial hypercholesterolemias; Familial hypercholesterolaemia. Identifiers: MedGen C0020445, MONDO:0005439.
Hypercholesterolemia, familial, 4 (FHCL4). Also called: HYPERCHOLESTEROLEMIA, AUTOSOMAL RECESSIVE, 1; HYPERCHOLESTEROLEMIA, AUTOSOMAL RECESSIVE, 2. Identifiers: Orphanet 391665, MedGen C1863512, MONDO:0011374, OMIM 603813.

Allele frequency attached by ClinVar (database versions not stated): TOPMed below 0.00001.

Submissions (4):

Genome-Nilou Lab
Classification: Uncertain significance for Hypercholesterolemia, familial, 4. Last evaluated: 2023-04-11. Review status: criteria provided, single submitter. Criteria: ACMG Guidelines, 2015. Collection method: clinical testing. Allele origin: germline. Affected: no.

Ambry Genetics
Classification: Uncertain significance for Cardiovascular phenotype. Last evaluated: 2021-08-02. Review status: criteria provided, single submitter. Criteria: Ambry Variant Classification Scheme 2023. Collection method: clinical testing. Allele origin: germline.
Comment: The p.A228T variant (also known as c.682G>A), located in coding exon 7 of the LDLRAP1 gene, results from a G to A substitution at nucleotide position 682. The alanine at codon 228 is replaced by threonine, an amino acid with similar properties. This amino acid position is conserved. In addition, this alteration is predicted to be tolerated by in silico analysis. Since supporting evidence is limited at this time, the clinical significance of this alteration remains unclear.

GeneDx
Classification: Uncertain significance. Last evaluated: 2017-10-31. Review status: criteria provided, single submitter. Criteria: GeneDx Variant Classification (06012015). Collection method: clinical testing. Allele origin: germline. Affected: yes.
Comment: A variant of uncertain significance has been identified in the LDLRAP1 gene. The A228T variant has not been published as pathogenic or been reported as benign to our knowledge. This variant is not observed in large population cohorts (Lek et al., 2016). The A228T variant is a non-conservative amino acid substitution, which is likely to impact secondary protein structure as these residues differ in polarity, charge, size and/or other properties. Nevertheless, although this substitution occurs at a position that is conserved in mammals, threonine (T) is tolerated at this position in at least one species. Additionally, in silico analysis is inconsistent in its predictions as to whether or not the variant is damaging to the protein structure/function.

Natera, Inc.
Classification: Uncertain significance for Familial hypercholesterolemia. Last evaluated: 2020-09-16. Review status: no assertion criteria provided. Collection method: clinical testing. Allele origin: germline. Not counted in ClinVar's aggregate classification.

NM_015627.3(LDLRAP1):c.682G>A (p.Ala228Thr)

Gene: LDLRAP1 (low density lipoprotein receptor adaptor protein 1; plus strand). Cytogenetic location: 1p36.11.
Variant type: single nucleotide variant.
Coding change: c.682G>A on transcript NM_015627.3 (MANE Select); coding-DNA position 682, G replaced by A.
Protein change: p.Ala228Thr; replaces alanine 228 with threonine.
Molecular consequence: missense variant.
Genome position (GRCh38, 1-based): chr1:25,563,726, G>A. VCF-style: chr1-25563726-G-A. GRCh37 (hg19) VCF-style: chr1-25890217-G-A.
Other names: short protein forms A228T.
Identifiers: ClinVar variation 453082 (VCV000453082.6), dbSNP rs1242550557, ClinGen allele CA339074500.